The following is an entry in ClinVar:

NM_001127222.2(CACNA1A):c.6714_6719dup (p.2238AR[3])

Genes: CACNA1A (calcium voltage-gated channel subunit alpha1 A; minus strand), LOC130063717 (ATAC-STARR-seq lymphoblastoid silent region 10203; plus strand). Cytogenetic location: 19p13.13.
Variant type: Duplication.
Coding change: c.6714_6719dup on transcript NM_001127222.2 (MANE Select); coding-DNA positions 6714 to 6719, 6 bases duplicated (ACGGGC; older notation c.6714_6719dupACGGGC).
Protein change: p.2238AR[3].
Molecular consequence: inframe insertion.
Genome position (GRCh38, 1-based): chr19:13,208,817-13,208,822, GCCCGT duplicated on the plus strand (ACGGGC on the coding strand, the reverse complement: CACNA1A is on the minus strand); duplicating any 6 consecutive bases within chr19:13,208,817-13,208,827 gives the same sequence; the c. name uses the placement nearest the transcript's 3' end. VCF-style (leftmost placement, unchanged base first): chr19-13208816-A-AGCCCGT. GRCh37 (hg19) VCF-style: chr19-13319630-A-AGCCCGT.
Other names: c.6732_6737dup, p.2244AR[3] (NM_000068.4, NM_023035.3); c.6717_6722dup, p.2239AR[3] (NM_001127221.2); c.6723_6728dup, p.2241AR[3] (NM_001174080.2).
Identifiers: ClinVar variation 653666 (VCV000653666.11), dbSNP rs1042488847, ClinGen allele CA305547388.

ClinVar aggregate classification (germline): Uncertain significance. Review status: criteria provided, multiple submitters, no conflicts (2 of 4 stars). 2 submissions from 2 submitters: Uncertain significance (2). Last evaluated 2025-11-07.

Conditions:
Developmental and epileptic encephalopathy, 42 (DEE42A). Also called: Epileptic encephalopathy, early infantile, 42; DEVELOPMENTAL AND EPILEPTIC ENCEPHALOPATHY 42A; EPILEPTIC ENCEPHALOPATHY, EARLY INFANTILE, 42A. Identifiers: MedGen C4310716, MONDO:0014917, OMIM 617106.
Episodic ataxia type 2 (EA2). Also called: CEREBELLAR ATAXIA, PAROXYSMAL, ACETAZOLAMIDE-RESPONSIVE; CEREBELLOPATHY, HEREDITARY PAROXYSMAL; EPISODIC ATAXIA, NYSTAGMUS-ASSOCIATED; ATAXIA, EPISODIC, WITH NYSTAGMUS; ATAXIA, FAMILIAL PAROXYSMAL; ACETAZOLAMIDE-RESPONSIVE HEREDITARY PAROXYSMAL CEREBELLAR ATAXIA. Identifiers: Orphanet 97, MedGen C1720416, MONDO:0007163, OMIM 108500.

Submissions (2):

Labcorp Genetics (formerly Invitae), Labcorp
Classification: Uncertain significance for Developmental and epileptic encephalopathy, 42; Episodic ataxia type 2. Last evaluated: 2025-11-07. Review status: criteria provided, single submitter. Criteria: Invitae Variant Classification Sherloc (09022015). Collection method: clinical testing. Allele origin: germline.
Comment: This variant, c.6717_6722dup, results in the insertion of 2 amino acid(s) of the CACNA1A protein (p.Ala2241_Arg2242dup), but otherwise preserves the integrity of the reading frame. This variant is not present in population databases (gnomAD no frequency). This variant has been observed in individual(s) with CACNA1A-related conditions (internal data). ClinVar contains an entry for this variant (Variation ID: 653666). Experimental studies and prediction algorithms are not available or were not evaluated, and the functional significance of this variant is currently unknown. In summary, the available evidence is currently insufficient to determine the role of this variant in disease. Therefore, it has been classified as a Variant of Uncertain Significance.

GeneDx
Classification: Uncertain significance. Last evaluated: 2025-06-24. Review status: criteria provided, single submitter. Criteria: GeneDx Variant Classification Process June 2021. Collection method: clinical testing. Allele origin: germline.
Comment: Not observed at significant frequency in large population cohorts (gnomAD); In-frame insertion of 2 amino acids in a non-repeat region; Has not been previously published as pathogenic or benign to our knowledge